The following is an entry in ClinVar:

ClinVar aggregate classification (germline): Likely benign (1 of 4 stars; one submission).

Allele frequency attached by ClinVar (database versions not stated): gnomAD 0.00001; TOPMed 0.00001.
gnomAD v4.1: 3 of 1,613,968 alleles (0.00019%); highest among the groups gnomAD compares: Middle Eastern, 0.016%; no homozygotes.

Submission:

GeneDx
Classification: Likely benign. Last evaluated: 2016-07-07. Review status: criteria provided, single submitter. Criteria: GeneDx Variant Classification (06012015). Collection method: clinical testing. Allele origin: germline. Affected: yes.
Comment: This variant is considered likely benign or benign based on one or more of the following criteria: it is a conservative change, it occurs at a poorly conserved position in the protein, it is predicted to be benign by multiple in silico algorithms, and/or has population frequency not consistent with disease.

NM_017875.4(SLC25A38):c.69+12G>A

Genes: SLC25A38 (solute carrier family 25 member 38; plus strand), LOC129936510 (ATAC-STARR-seq lymphoblastoid active region 19704; plus strand). Cytogenetic location: 3p22.1.
Variant type: single nucleotide variant.
Coding change: c.69+12G>A on transcript NM_017875.4 (MANE Select); 12 bases into the intron after coding-DNA position 69, G replaced by A.
Molecular consequence: intron variant.
Genome position (GRCh38, 1-based): chr3:39,383,805, G>A. VCF-style: chr3-39383805-G-A. GRCh37 (hg19) VCF-style: chr3-39425296-G-A.
Other names: c.69+12G>A (NM_001354798.2, LRG_1133t1).
Identifiers: ClinVar variation 387070 (VCV000387070.1), dbSNP rs1057522681, ClinGen allele CA16604585.